The following is an entry in ClinVar:

ClinVar aggregate classification (germline): Uncertain significance (1 of 4 stars; one submission).

Conditions:
Mitochondrial complex II deficiency, nuclear type 1. Also called: SUCCINATE CoQ REDUCTASE DEFICIENCY. Identifiers: Orphanet 3208, MedGen C5700310, MONDO:0100294, OMIM 252011.
Pheochromocytoma/paraganglioma syndrome 5. Also called: Paragangliomas 5; SDHA-Related Hereditary Paraganglioma-Pheochromocytoma Syndrome. Identifiers: Orphanet 29072, MedGen C3279992, MONDO:0013602, OMIM 614165.

Submission:

Labcorp Genetics (formerly Invitae), Labcorp
Classification: Uncertain significance for Pheochromocytoma/paraganglioma syndrome 5; Mitochondrial complex II deficiency, nuclear type 1. Last evaluated: 2023-07-07. Review status: criteria provided, single submitter. Criteria: Invitae Variant Classification Sherloc (09022015). Collection method: clinical testing. Allele origin: germline.
Comment: Advanced modeling of protein sequence and biophysical properties (such as structural, functional, and spatial information, amino acid conservation, physicochemical variation, residue mobility, and thermodynamic stability) has been performed at Invitae for this missense variant, however the output from this modeling did not meet the statistical confidence thresholds required to predict the impact of this variant on SDHA protein function. In summary, the available evidence is currently insufficient to determine the role of this variant in disease. Therefore, it has been classified as a Variant of Uncertain Significance. This variant has not been reported in the literature in individuals affected with SDHA-related conditions. This variant is not present in population databases (gnomAD no frequency). This sequence change replaces serine, which is neutral and polar, with tyrosine, which is neutral and polar, at codon 346 of the SDHA protein (p.Ser346Tyr).

NM_004168.4(SDHA):c.1037C>A (p.Ser346Tyr)

Gene: SDHA (succinate dehydrogenase complex flavoprotein subunit A; plus strand). Cytogenetic location: 5p15.33.
Variant type: single nucleotide variant.
Coding change: c.1037C>A on transcript NM_004168.4 (MANE Select); coding-DNA position 1037, C replaced by A.
Protein change: p.Ser346Tyr; replaces serine 346 with tyrosine.
Molecular consequence: missense variant.
Genome position (GRCh38, 1-based): chr5:233,618, C>A. VCF-style: chr5-233618-C-A. GRCh37 (hg19) VCF-style: chr5-233733-C-A.
Other names: c.893C>A, p.Ser298Tyr (NM_001294332.2); c.1037C>A, p.Ser346Tyr (NM_001330758.2); short protein forms S298Y, S346Y.
Identifiers: ClinVar variation 2949606 (VCV002949606.3), dbSNP rs1041948, ClinGen allele CA359012940.
Genomic context (GRCh38, chr5:233,618, plus strand): 5'-TTATGGAGCGATACGCCCCTGTCGCGAAGGACCTGGCGTCTAGAGATGTGGTGTCTCGGT[C>A]CATGACTCTGGAGATCCGAGAAGGAAGGTGCGTGTGATTTACCACCAGCACTGTCTGAGC-3'
Protein context (NP_004159.2, residues 336-356): DLASRDVVSR[Ser346Tyr]MTLEIREGRG